The following is an entry in ClinVar:

ClinVar aggregate classification (germline): Uncertain significance (1 of 4 stars; one submission).

Conditions:
Inborn genetic diseases. Identifiers: MedGen C0950123, MeSH D030342.

gnomAD v4.1: 2 of 1,614,058 alleles (0.00012%); highest among the groups gnomAD compares: Non-Finnish European, 0.00017%; no homozygotes.

Submission:

Ambry Genetics
Classification: Uncertain significance for Inborn genetic diseases. Last evaluated: 2024-12-14. Review status: criteria provided, single submitter. Criteria: Ambry Variant Classification Scheme 2023. Collection method: clinical testing. Allele origin: germline.
Comment: The p.D784V variant (also known as c.2351A>T), located in coding exon 13 of the ASXL1 gene, results from an A to T substitution at nucleotide position 2351. The aspartic acid at codon 784 is replaced by valine, an amino acid with highly dissimilar properties. This amino acid position is conserved. In addition, this alteration is predicted to be tolerated by in silico analysis. Based on the available evidence, the clinical significance of this variant remains unclear.

NM_015338.6(ASXL1):c.2351A>T (p.Asp784Val)

Gene: ASXL1 (ASXL transcriptional regulator 1; plus strand). Cytogenetic location: 20q11.21.
Variant type: single nucleotide variant.
Coding change: c.2351A>T on transcript NM_015338.6 (MANE Select); coding-DNA position 2351, A replaced by T.
Protein change: p.Asp784Val; replaces aspartic acid 784 with valine.
Molecular consequence: missense variant.
Genome position (GRCh38, 1-based): chr20:32,435,063, A>T. VCF-style: chr20-32435063-A-T. GRCh37 (hg19) VCF-style: chr20-31022866-A-T.
Other names: c.2168A>T, p.Asp723Val (NM_001363734.1); short protein forms D784V, D723V.
Identifiers: ClinVar variation 3791271 (VCV003791271.1).